The following is an entry in ClinVar:

NM_006059.4(LAMC3):c.4030+5G>A

Gene: LAMC3 (laminin subunit gamma 3; plus strand). Cytogenetic location: 9q34.12.
Variant type: single nucleotide variant.
Coding change: c.4030+5G>A on transcript NM_006059.4 (MANE Select); 5 bases into the intron after coding-DNA position 4030, G replaced by A.
Molecular consequence: intron variant.
Genome position (GRCh38, 1-based): chr9:131,082,166, G>A. VCF-style: chr9-131082166-G-A. GRCh37 (hg19) VCF-style: chr9-133957553-G-A.
Identifiers: ClinVar variation 1488179 (VCV001488179.4), dbSNP rs774498189, ClinGen allele CA5288010.

ClinVar aggregate classification (germline): Uncertain significance (1 of 4 stars; one submission).

gnomAD v4.1: 124 of 1,605,788 alleles (0.0077%); highest among the groups gnomAD compares: Non-Finnish European, 0.01%; no homozygotes.

Submissions (2):

Labcorp Genetics (formerly Invitae), Labcorp
Classification: Uncertain significance. Last evaluated: 2022-04-18. Review status: criteria provided, single submitter. Criteria: Invitae Variant Classification Sherloc (09022015). Collection method: clinical testing. Allele origin: germline.
Comment: This sequence change falls in intron 24 of the LAMC3 gene. It does not directly change the encoded amino acid sequence of the LAMC3 protein. It affects a nucleotide within the consensus splice site. This variant is present in population databases (rs774498189, gnomAD 0.009%). This variant has not been reported in the literature in individuals affected with LAMC3-related conditions. Variants that disrupt the consensus splice site are a relatively common cause of aberrant splicing (PMID: 17576681, 9536098). Algorithms developed to predict the effect of sequence changes on RNA splicing suggest that this variant may disrupt the consensus splice site. In summary, the available evidence is currently insufficient to determine the role of this variant in disease. Therefore, it has been classified as a Variant of Uncertain Significance.

Dr. Peter K. Rogan Lab, Western University
No classification provided (evidence only). Condition: Acute myeloid leukemia. Review status: no classification provided. Collection method: in vitro. Allele origin: not applicable. Functional consequence: retained intron. Not counted in ClinVar's aggregate classification.

Literature cited by the submitters: PubMed 17576681 (cited by Labcorp Genetics (formerly Invitae), Labcorp); PubMed 9536098 (cited by Labcorp Genetics (formerly Invitae), Labcorp).